The following is an entry in ClinVar:

ClinVar aggregate classification (germline): Likely benign. Review status: criteria provided, multiple submitters, no conflicts (2 of 4 stars). 2 submissions from 2 submitters: Likely benign (2). Last evaluated 2026-01-13.

Conditions:
Diffuse cerebral and cerebellar atrophy - intractable seizures - progressive microcephaly syndrome. Also called: Microcephaly, progressive, with seizures and cerebral and cerebellar atrophy. Identifiers: Orphanet 404437, MedGen C4014239, MONDO:0014335, OMIM 615760.

Allele frequency attached by ClinVar (database versions not stated): gnomAD exomes 0.00003 and 0.00007; ExAC 0.00009; gnomAD 0.00025 and 0.00029; ESP Exome Variant Server 0.00038; TOPMed 0.00043.
gnomAD v4.1: 77 of 1,601,080 alleles (0.0048%); highest among the groups gnomAD compares: African/African-American, 0.096%; no homozygotes.

Submissions (2):

Labcorp Genetics (formerly Invitae), Labcorp
Classification: Likely benign for Diffuse cerebral and cerebellar atrophy - intractable seizures - progressive microcephaly syndrome. Last evaluated: 2026-01-13. Review status: criteria provided, single submitter. Criteria: Invitae Variant Classification Sherloc (09022015). Collection method: clinical testing. Allele origin: germline.

GeneDx
Classification: Likely benign. Last evaluated: 2017-08-09. Review status: criteria provided, single submitter. Criteria: GeneDx Variant Classification (06012015). Collection method: clinical testing. Allele origin: germline. Affected: yes.
Comment: This variant is considered likely benign or benign based on one or more of the following criteria: it is a conservative change, it occurs at a poorly conserved position in the protein, it is predicted to be benign by multiple in silico algorithms, and/or has population frequency not consistent with disease.

NM_005051.3(QARS1):c.632-20C>T

Gene: QARS1 (glutaminyl-tRNA synthetase 1; minus strand). Cytogenetic location: 3p21.31.
Variant type: single nucleotide variant.
Coding change: c.632-20C>T on transcript NM_005051.3 (MANE Select); 20 bases into the intron before coding-DNA position 632, C replaced by T.
Molecular consequence: intron variant.
Genome position (GRCh38, 1-based): chr3:49,101,919, G>A on the plus strand (C>T on the coding strand, the complement: QARS1 is on the minus strand). VCF-style: chr3-49101919-G-A. GRCh37 (hg19) VCF-style: chr3-49139352-G-A.
Other names: c.599-20C>T (NM_001272073.2).
Identifiers: ClinVar variation 385106 (VCV000385106.9), dbSNP rs367637023, ClinGen allele CA2392075.
Genomic context (GRCh38, chr3:49,101,919, plus strand): 5'-GAGCTGCTCCATCAGAGACAGGGTCTGGTCAGCAGTCTCGCCTGTGGGGAACAAAACAAG[G>A]AAAACTTGTCCTCTAGATACATTTACCATATCCTACAGCCAGAACAGAACTGAGTAGACC-3'